The following is an entry in ClinVar:

ClinVar aggregate classification (germline): Uncertain significance (1 of 4 stars; one submission).

Conditions:
Cardiovascular phenotype. Identifiers: MedGen CN230736.

gnomAD v4.1: 8 of 1,612,046 alleles (0.0005%); highest among the groups gnomAD compares: Non-Finnish European, 0.00068%; no homozygotes.

Submission:

Ambry Genetics
Classification: Uncertain significance for Cardiovascular phenotype. Last evaluated: 2025-07-11. Review status: criteria provided, single submitter. Criteria: Ambry Variant Classification Scheme 2023. Collection method: clinical testing. Allele origin: germline.
Comment: The c.122-5G>A intronic variant results from a G to A substitution 5 nucleotides upstream from coding exon 3 in the APOB gene. This nucleotide position is poorly conserved in available vertebrate species. In silico splice site analysis predicts that this alteration will not have any significant effect on splicing. Based on the available evidence, the clinical significance of this variant remains unclear.

NM_000384.3(APOB):c.122-5G>A

Genes: APOB (apolipoprotein B; minus strand), LOC106560211 (APOB 5' regulatory region; plus strand). Cytogenetic location: 2p24.1.
Variant type: single nucleotide variant.
Coding change: c.122-5G>A on transcript NM_000384.3 (MANE Select); 5 bases into the intron before coding-DNA position 122, G replaced by A.
Molecular consequence: intron variant.
Genome position (GRCh38, 1-based): chr2:21,042,481, C>T on the plus strand (G>A on the coding strand, the complement: APOB is on the minus strand). VCF-style: chr2-21042481-C-T. GRCh37 (hg19) VCF-style: chr2-21265353-C-T.
Identifiers: ClinVar variation 4124956 (VCV004124956.1).